The following is an entry in ClinVar:

ClinVar aggregate classification (germline): Pathogenic. Review status: criteria provided, single submitter (1 of 4 stars). 2 submissions from 2 submitters: Pathogenic (1). 1 of the submissions does not count toward it. Last evaluated 2025-08-13.

Conditions:
Autosomal dominant nonsyndromic hearing loss 9. Identifiers: Orphanet 90635, MedGen C1832425, MONDO:0011058, OMIM 601369.

Submissions (2):

Labcorp Genetics (formerly Invitae), Labcorp
Classification: Pathogenic. Last evaluated: 2025-08-13. Review status: criteria provided, single submitter. Criteria: Invitae Variant Classification Sherloc (09022015). Collection method: clinical testing. Allele origin: germline.
Comment: This sequence change replaces cysteine, which is neutral and slightly polar, with tyrosine, which is neutral and polar, at codon 542 of the COCH protein (p.Cys542Tyr). This variant is not present in population databases (gnomAD no frequency). This missense change has been observed in individual(s) with autosomal dominant deafness (PMID: 18312449). It has also been observed to segregate with disease in related individuals. ClinVar contains an entry for this variant (Variation ID: 6615). Invitae Evidence Modeling of protein sequence and biophysical properties (such as structural, functional, and spatial information, amino acid conservation, physicochemical variation, residue mobility, and thermodynamic stability) indicates that this missense variant is expected to disrupt COCH protein function with a positive predictive value of 95%. This variant disrupts the p.Cys542 amino acid residue in COCH. Other variant(s) that disrupt this residue have been determined to be pathogenic (PMID: 16261627, 25780252, 34652575). This suggests that this residue is clinically significant, and that variants that disrupt this residue are likely to be disease-causing. For these reasons, this variant has been classified as Pathogenic.

OMIM
Classification: Pathogenic for DEAFNESS, AUTOSOMAL DOMINANT 9. Last evaluated: 2008-04-01. Review status: no assertion criteria provided. Collection method: literature only. Allele origin: germline. Not counted in ClinVar's aggregate classification.

Literature cited by the submitters: PubMed 18312449 (cited by Labcorp Genetics (formerly Invitae), Labcorp and OMIM); PubMed 16261627 (cited by Labcorp Genetics (formerly Invitae), Labcorp); PubMed 25780252 (cited by Labcorp Genetics (formerly Invitae), Labcorp); PubMed 34652575 (cited by Labcorp Genetics (formerly Invitae), Labcorp).

NM_004086.3(COCH):c.1625G>A (p.Cys542Tyr)

Genes: COCH-AS1 (COCH antisense RNA 1; minus strand), COCH (cochlin; plus strand). Cytogenetic location: 14q12.
Variant type: single nucleotide variant.
Coding change: c.1625G>A on transcript NM_004086.3 (MANE Select); coding-DNA position 1625, G replaced by A.
Protein change: p.Cys542Tyr; replaces cysteine 542 with tyrosine.
Molecular consequence: missense variant. On other transcripts: non-coding transcript variant (1).
Genome position (GRCh38, 1-based): chr14:30,889,763, G>A. VCF-style: chr14-30889763-G-A. GRCh37 (hg19) VCF-style: chr14-31358969-G-A.
Other names: c.1625G>A, p.Cys542Tyr (NM_001135058.2); c.1820G>A, p.Cys607Tyr (NM_001347720.2); short protein forms C542Y, C607Y.
Identifiers: ClinVar variation 6615 (VCV000006615.2), dbSNP rs121908932, ClinGen allele CA253897.